The following is an entry in ClinVar:

ClinVar aggregate classification (germline): Uncertain significance. Review status: criteria provided, multiple submitters, no conflicts (2 of 4 stars). 3 submissions from 3 submitters: Uncertain significance (2). 1 of the submissions does not count toward it. Last evaluated 2021-12-16.

Conditions:
Seizure. Also called: Seizures. Identifiers: MedGen C0036572, HP:0001250.
Early-infantile DEE. Also called: Ohtahara syndrome; Early infantile epileptic encephalopathy; Early infantile epileptic encephalopathy with suppression bursts. Identifiers: Orphanet 1934, MedGen C0393706, MONDO:0800491.

Submissions (3):

Centre of Medical Genetics, University Hospital Muenster
Classification: Uncertain significance. Last evaluated: 2021-12-16. Review status: criteria provided, single submitter. Criteria: ACMG Guidelines, 2015. Collection method: clinical testing. Allele origin: unknown. Affected: yes. Observed: 1 variant allele, 1 heterozygote.
Comment: ACMG categories: PM2,PP3

Labcorp Genetics (formerly Invitae), Labcorp
Classification: Uncertain significance for Early-infantile DEE. Last evaluated: 2019-08-21. Review status: criteria provided, single submitter. Criteria: Invitae Variant Classification Sherloc (09022015). Collection method: clinical testing. Allele origin: germline.
Comment: In summary, the available evidence is currently insufficient to determine the role of this variant in disease. Therefore, it has been classified as a Variant of Uncertain Significance. Algorithms developed to predict the effect of missense changes on protein structure and function are either unavailable or do not agree on the potential impact of this missense change (SIFT: "Deleterious"; PolyPhen-2: "Probably Damaging"; Align-GVGD: "Class C15"). This variant has not been reported in the literature in individuals with SCN1A-related conditions. This variant is not present in population databases (ExAC no frequency). This sequence change replaces threonine with isoleucine at codon 367 of the SCN1A protein (p.Thr367Ile). The threonine residue is highly conserved and there is a moderate physicochemical difference between threonine and isoleucine.

Diagnostic Laboratory, Strasbourg University Hospital
Classification: Uncertain significance for Seizure. Review status: no assertion criteria provided. Collection method: clinical testing. Allele origin: germline. Affected: yes. Observed: 1 heterozygote. Not counted in ClinVar's aggregate classification.

NM_001165963.4(SCN1A):c.1100C>T (p.Thr367Ile)

Gene: SCN1A (sodium voltage-gated channel alpha subunit 1; minus strand). Cytogenetic location: 2q24.3.
Variant type: single nucleotide variant.
Coding change: c.1100C>T on transcript NM_001165963.4 (MANE Select); coding-DNA position 1100, C replaced by T.
Protein change: p.Thr367Ile; replaces threonine 367 with isoleucine.
Molecular consequence: missense variant. On other transcripts: 5 prime UTR variant (1), non-coding transcript variant (1).
Genome position (GRCh38, 1-based): chr2:166,047,697, G>A on the plus strand (C>T on the coding strand, the complement: SCN1A is on the minus strand). VCF-style: chr2-166047697-G-A. GRCh37 (hg19) VCF-style: chr2-166904207-G-A.
Other names: c.1100C>T, p.Thr367Ile (NM_001165964.3, NM_001202435.3, NM_001353948.2 and 10 more transcripts); c.-1326C>T (NM_001353961.2); short protein forms T367I.
Identifiers: ClinVar variation 950975 (VCV000950975.13), dbSNP rs1698011519, ClinGen allele CA349071233.